The following is an entry in ClinVar:

ClinVar aggregate classification (germline): Likely pathogenic. Review status: criteria provided, multiple submitters, no conflicts (2 of 4 stars). 2 submissions from 2 submitters: Likely pathogenic (2). Last evaluated 2024-10-09.

Conditions:
Brain small vessel disease 2A, autosomal dominant. Also called: Porencephaly 2. Identifiers: Orphanet 2940, Orphanet 99810, MedGen C3280970, MONDO:0013773, OMIM 614483.

Submissions (2):

GeneDx
Classification: Likely pathogenic. Last evaluated: 2024-10-09. Review status: criteria provided, single submitter. Criteria: GeneDx Variant Classification Process June 2021. Collection method: clinical testing. Allele origin: germline. Affected: yes.
Comment: Not observed at significant frequency in large population cohorts (gnomAD); In silico analysis supports that this missense variant has a deleterious effect on protein structure/function; This variant is associated with the following publications: (PMID: 30413629)

Institute of Human Genetics Munich, TUM University Hospital
Classification: Likely pathogenic for Brain small vessel disease 2A, autosomal dominant. Last evaluated: 2018-03-05. Review status: criteria provided, single submitter. Criteria: Classification criteria August 2017. Collection method: clinical testing. Allele origin: de novo. Inheritance: Autosomal dominant inheritance. Affected: yes. Observed: 1 heterozygote.

NM_001846.4(COL4A2):c.1856G>A (p.Gly619Asp)

Gene: COL4A2 (collagen type IV alpha 2 chain; plus strand). Cytogenetic location: 13q34.
Variant type: single nucleotide variant.
Coding change: c.1856G>A on transcript NM_001846.4 (MANE Select); coding-DNA position 1856, G replaced by A.
Protein change: p.Gly619Asp; replaces glycine 619 with aspartic acid.
Molecular consequence: missense variant.
Genome position (GRCh38, 1-based): chr13:110,465,484, G>A. VCF-style: chr13-110465484-G-A. GRCh37 (hg19) VCF-style: chr13-111117831-G-A.
Other names: c.1856G>A (NM_001846.2); short protein forms G619D.
Identifiers: ClinVar variation 807561 (VCV000807561.4), dbSNP rs1594088780, ClinGen allele CA388739362.